The following is an entry in ClinVar:

NM_000463.3(UGT1A1):c.672C>G (p.Asp224Glu)

Genes: UGT1A1 (UDP glucuronosyltransferase family 1 member A1; plus strand), UGT1A (UDP glucuronosyltransferase family 1 member A complex locus; plus strand), UGT1A10 (UDP glucuronosyltransferase family 1 member A10; plus strand), UGT1A3 (UDP glucuronosyltransferase family 1 member A3; plus strand), UGT1A4 (UDP glucuronosyltransferase family 1 member A4; plus strand) and 5 more. Cytogenetic location: 2q37.1.
Variant type: single nucleotide variant.
Coding change: c.672C>G on transcript NM_000463.3 (MANE Select); coding-DNA position 672, C replaced by G.
Protein change: p.Asp224Glu; replaces aspartic acid 224 with glutamic acid.
Molecular consequence: missense variant. On other transcripts: intron variant (9).
Genome position (GRCh38, 1-based): chr2:233,760,959, C>G. VCF-style: chr2-233760959-C-G. GRCh37 (hg19) VCF-style: chr2-234669605-C-G.
Other names: c.856-6075C>G (NM_019076.5, NM_019075.4, NM_021027.3 and 1 more transcripts); c.61-6075C>G (NM_205862.3); c.862-6075C>G (NM_001072.4); c.868-6075C>G (NM_019078.2, NM_007120.3, NM_019093.4); short protein forms D224E.
Identifiers: ClinVar variation 4994882 (VCV004994882.1).

ClinVar aggregate classification (germline): Uncertain significance (1 of 4 stars; one submission).

Conditions:
UGT1A1-related disorder. Also called: UGT1A1-related condition; UGT1A1-related disorders.

Submission:

PreventionGenetics, part of Exact Sciences
Classification: Uncertain significance for UGT1A1-related condition. Last evaluated: 2026-03-25. Review status: criteria provided, single submitter. Criteria: ACMG Guidelines, 2015. Collection method: clinical testing. Allele origin: germline.
Comment: The UGT1A1 c.672C>G variant is predicted to result in the amino acid substitution p.Asp224Glu. To our knowledge, this variant has not been reported in the literature or in a large population database (gnomAD), indicating this variant is rare. At this time, the clinical significance of this variant is uncertain due to the absence of conclusive functional and genetic evidence.